The following is an entry in ClinVar:

ClinVar aggregate classification (germline): Conflicting classifications of pathogenicity. Review status: criteria provided, conflicting classifications (1 of 4 stars). 7 submissions from 7 submitters: Uncertain significance (6); Likely benign (1). Last evaluated 2023-11-30.

Conditions:
Autosomal recessive limb-girdle muscular dystrophy type 2K. Also called: MUSCULAR DYSTROPHY-DYSTROGLYCANOPATHY (LIMB-GIRDLE), TYPE C, 1; MUSCULAR DYSTROPHY, LIMB-GIRDLE, TYPE 2K. Identifiers: Orphanet 86812, MedGen C1836373, MONDO:0012248, OMIM 609308.
Muscular dystrophy-dystroglycanopathy (congenital with impaired intellectual development), type B, 1. Also called: Muscular dystrophy-dystroglycanopathy (congenital with intellectual disability), type B1; MUSCULAR DYSTROPHY, CONGENITAL, POMT1-RELATED. Identifiers: MedGen C5436962, MONDO:0013159, OMIM 613155.
Walker-Warburg congenital muscular dystrophy. Also called: Muscular dystrophy-dystroglycanopathy, type A; Walker-Warburg syndrome. Identifiers: Orphanet 899, MedGen C0265221, MONDO:0000171.
Inborn genetic diseases. Identifiers: MedGen C0950123, MeSH D030342.
Muscular dystrophy-dystroglycanopathy (congenital with brain and eye anomalies), type A1 (MDDGA1). Also called: WALKER-WARBURG SYNDROME OR MUSCLE-EYE-BRAIN DISEASE, POMT1-RELATED; Hydrocephalus, agyria and retinal dysplasia; Hard +/- E syndrome; Warburg syndrome; Chemke syndrome; Pagon syndrome. Identifiers: Orphanet 588, Orphanet 899, MedGen C4284790, MONDO:0009364, OMIM 236670.

Allele frequency attached by ClinVar (database versions not stated): ExAC 0.00010; gnomAD exomes 0.00010 and 0.00016; gnomAD 0.00016; TOPMed 0.00023.
gnomAD v4.1: 259 of 1,614,054 alleles (0.016%); highest among the groups gnomAD compares: Non-Finnish European, 0.02%; no homozygotes.

Submissions (7):

GeneDx
Classification: Uncertain significance. Last evaluated: 2023-11-30. Review status: criteria provided, single submitter. Criteria: GeneDx Variant Classification Process June 2021. Collection method: clinical testing. Allele origin: germline. Affected: yes.
Comment: In silico analysis supports that this missense variant does not alter protein structure/function; Has not been previously published as pathogenic or benign to our knowledge; This variant is associated with the following publications: (PMID: 30564623, 22549409)

Labcorp Genetics (formerly Invitae), Labcorp
Classification: Uncertain significance for Muscular dystrophy-dystroglycanopathy (congenital with impaired intellectual development), type B, 1; Walker-Warburg congenital muscular dystrophy; Autosomal recessive limb-girdle muscular dystrophy type 2K. Last evaluated: 2022-09-13. Review status: criteria provided, single submitter. Criteria: Invitae Variant Classification Sherloc (09022015). Collection method: clinical testing. Allele origin: germline.
Comment: This sequence change replaces valine, which is neutral and non-polar, with alanine, which is neutral and non-polar, at codon 598 of the POMT1 protein (p.Val598Ala). This variant is present in population databases (rs144338642, gnomAD 0.02%). This variant has not been reported in the literature in individuals affected with POMT1-related conditions. ClinVar contains an entry for this variant (Variation ID: 260143). Advanced modeling of protein sequence and biophysical properties (such as structural, functional, and spatial information, amino acid conservation, physicochemical variation, residue mobility, and thermodynamic stability) performed at Invitae indicates that this missense variant is not expected to disrupt POMT1 protein function. In summary, the available evidence is currently insufficient to determine the role of this variant in disease. Therefore, it has been classified as a Variant of Uncertain Significance.

Department of Pathology and Laboratory Medicine, Sinai Health System
Classification: Uncertain significance for Muscular dystrophy-dystroglycanopathy (congenital with brain and eye anomalies), type A1; Autosomal recessive limb-girdle muscular dystrophy type 2K; Muscular dystrophy-dystroglycanopathy (congenital with impaired intellectual development), type B, 1. Last evaluated: 2022-04-07. Review status: criteria provided, single submitter. Criteria: ACMG Guidelines, 2015. Collection method: research. Allele origin: germline.

Ambry Genetics
Classification: Uncertain significance for Inborn genetic diseases. Last evaluated: 2021-06-29. Review status: criteria provided, single submitter. Criteria: Ambry Variant Classification Scheme 2023. Collection method: clinical testing. Allele origin: germline.

Illumina Laboratory Services, Illumina
Classification: Uncertain significance for Autosomal recessive limb-girdle muscular dystrophy type 2K. Last evaluated: 2018-01-13. Review status: criteria provided, single submitter. Criteria: ICSL Variant Classification Criteria 13 December 2019. Collection method: clinical testing. Allele origin: germline.

Eurofins Ntd Llc (ga)
Classification: Uncertain significance. Last evaluated: 2016-03-23. Review status: criteria provided, single submitter. Criteria: EGL Classification Definitions 2015. Collection method: clinical testing. Allele origin: germline. Observed: 3 variant alleles, 3 heterozygotes.

PreventionGenetics, part of Exact Sciences
Classification: Likely benign. Review status: criteria provided, single submitter. Criteria: ACMG Guidelines, 2015. Collection method: clinical testing. Allele origin: germline.

NM_001077365.2(POMT1):c.1727T>C (p.Val576Ala)

Gene: POMT1 (protein O-mannosyltransferase 1; plus strand). Cytogenetic location: 9q34.13.
Variant type: single nucleotide variant.
Coding change: c.1727T>C on transcript NM_001077365.2 (MANE Select); coding-DNA position 1727, T replaced by C.
Protein change: p.Val576Ala; replaces valine 576 with alanine.
Molecular consequence: missense variant. On other transcripts: non-coding transcript variant (10).
Genome position (GRCh38, 1-based): chr9:131,521,374, T>C. VCF-style: chr9-131521374-T-C. GRCh37 (hg19) VCF-style: chr9-134396761-T-C.
Other names: c.1565T>C, p.Val522Ala (NM_001077366.2, NM_001353194.2); c.1727T>C, p.Val576Ala (NM_001136113.2); c.1376T>C, p.Val459Ala (NM_001136114.2, NM_001353195.2, NM_001374691.1 and 2 more transcripts); c.1793T>C, p.Val598Ala (NM_001353193.2, NM_007171.4); c.1637T>C, p.Val546Ala (NM_001353196.2); c.1631T>C, p.Val544Ala (NM_001353197.2, NM_001353198.2); c.1442T>C, p.Val481Ala (NM_001353199.2); c.1271T>C, p.Val424Ala (NM_001353200.2); and 3 more; short protein forms V598A, V459A, V481A, V424A, V522A, V544A, V576A, V546A.
Identifiers: ClinVar variation 260143 (VCV000260143.20), dbSNP rs144338642, ClinGen allele CA5293806.